The following is an entry in ClinVar:

NM_001040142.2(SCN2A):c.2837C>A (p.Thr946Asn)

Gene: SCN2A (sodium voltage-gated channel alpha subunit 2; plus strand). Cytogenetic location: 2q24.3.
Variant type: single nucleotide variant.
Coding change: c.2837C>A on transcript NM_001040142.2 (MANE Select); coding-DNA position 2837, C replaced by A.
Protein change: p.Thr946Asn; replaces threonine 946 with asparagine.
Molecular consequence: missense variant.
Genome position (GRCh38, 1-based): chr2:165,344,829, C>A. VCF-style: chr2-165344829-C-A. GRCh37 (hg19) VCF-style: chr2-166201339-C-A.
Other names: c.2837C>A, p.Thr946Asn (NM_001040143.2, NM_001371246.1, NM_001371247.1 and 1 more transcripts); short protein forms T946N.
Identifiers: ClinVar variation 2054029 (VCV002054029.4), dbSNP rs2468008365, ClinGen allele CA349015994.

ClinVar aggregate classification (germline): Uncertain significance (1 of 4 stars; one submission).

Conditions:
Seizures, benign familial infantile, 3 (BFIS3). Also called: CONVULSIONS, BENIGN FAMILIAL INFANTILE, 3; Familial neonatal seizures. Identifiers: Orphanet 140927, Orphanet 306, MedGen C1843140, MONDO:0011904, OMIM 607745.
Developmental and epileptic encephalopathy, 11 (DEE11). Also called: Early infantile epileptic encephalopathy 11. Identifiers: Orphanet 1934, MedGen C3150987, MONDO:0013388, OMIM 613721.

Submission:

Labcorp Genetics (formerly Invitae), Labcorp
Classification: Uncertain significance for Seizures, benign familial infantile, 3; Developmental and epileptic encephalopathy, 11. Last evaluated: 2021-12-22. Review status: criteria provided, single submitter. Criteria: Invitae Variant Classification Sherloc (09022015). Collection method: clinical testing. Allele origin: germline.
Comment: This sequence change replaces threonine, which is neutral and polar, with asparagine, which is neutral and polar, at codon 946 of the SCN2A protein (p.Thr946Asn). This variant is not present in population databases (gnomAD no frequency). This variant has not been reported in the literature in individuals affected with SCN2A-related conditions. Algorithms developed to predict the effect of missense changes on protein structure and function are either unavailable or do not agree on the potential impact of this missense change (SIFT: "Deleterious"; PolyPhen-2: "Probably Damaging"; Align-GVGD: "Class C0"). In summary, the available evidence is currently insufficient to determine the role of this variant in disease. Therefore, it has been classified as a Variant of Uncertain Significance.